The following is an entry in ClinVar:

NM_001848.3(COL6A1):c.1352A>T (p.Gln451Leu)

Gene: COL6A1 (collagen type VI alpha 1 chain; plus strand). Cytogenetic location: 21q22.3.
Variant type: single nucleotide variant.
Coding change: c.1352A>T on transcript NM_001848.3 (MANE Select); coding-DNA position 1352, A replaced by T.
Protein change: p.Gln451Leu; replaces glutamine 451 with leucine.
Molecular consequence: missense variant.
Genome position (GRCh38, 1-based): chr21:45,994,183, A>T. VCF-style: chr21-45994183-A-T. GRCh37 (hg19) VCF-style: chr21-47414097-A-T.
Other names: short protein forms Q451L.
Identifiers: ClinVar variation 2116597 (VCV002116597.4), dbSNP rs764235653, ClinGen allele CA410526948.

ClinVar aggregate classification (germline): Uncertain significance (1 of 4 stars; one submission).

Conditions:
Bethlem myopathy 1A. Also called: MYOPATHY, BENIGN CONGENITAL, WITH CONTRACTURES; Bethlem myopathy 1; Bethlem Muscular Dystrophy. Identifiers: Orphanet 610, MedGen CN029274, MONDO:0024530, OMIM 158810.

gnomAD v4.1: 1 of 1,605,342 alleles (0.000062%); highest among the groups gnomAD compares: Non-Finnish European, 0.000085%; no homozygotes.

Submission:

Labcorp Genetics (formerly Invitae), Labcorp
Classification: Uncertain significance for Bethlem myopathy 1A. Last evaluated: 2022-04-04. Review status: criteria provided, single submitter. Criteria: Invitae Variant Classification Sherloc (09022015). Collection method: clinical testing. Allele origin: germline.
Comment: In summary, the available evidence is currently insufficient to determine the role of this variant in disease. Therefore, it has been classified as a Variant of Uncertain Significance. Advanced modeling of protein sequence and biophysical properties (such as structural, functional, and spatial information, amino acid conservation, physicochemical variation, residue mobility, and thermodynamic stability) performed at Invitae indicates that this missense variant is not expected to disrupt COL6A1 protein function. This variant has not been reported in the literature in individuals affected with COL6A1-related conditions. This variant is not present in population databases (gnomAD no frequency). This sequence change replaces glutamine, which is neutral and polar, with leucine, which is neutral and non-polar, at codon 451 of the COL6A1 protein (p.Gln451Leu).